The following is an entry in ClinVar:

ClinVar aggregate classification (germline): Uncertain significance (1 of 4 stars; one submission).

Allele frequency attached by ClinVar (database versions not stated): gnomAD exomes 0.00001; TOPMed 0.00001; gnomAD 0.00003; ESP Exome Variant Server 0.00008.
gnomAD v4.1: 26 of 1,613,798 alleles (0.0016%); highest among the groups gnomAD compares: Middle Eastern, 0.066%; no homozygotes.

Submission:

Labcorp Genetics (formerly Invitae), Labcorp
Classification: Uncertain significance. Last evaluated: 2022-08-02. Review status: criteria provided, single submitter. Criteria: Invitae Variant Classification Sherloc (09022015). Collection method: clinical testing. Allele origin: germline.
Comment: This sequence change replaces isoleucine, which is neutral and non-polar, with valine, which is neutral and non-polar, at codon 490 of the KIAA1549 protein (p.Ile490Val). This variant is present in population databases (rs371018266, gnomAD 0.008%). This variant has not been reported in the literature in individuals affected with KIAA1549-related conditions. Algorithms developed to predict the effect of missense changes on protein structure and function output the following: SIFT: "Tolerated"; PolyPhen-2: "Benign"; Align-GVGD: "Class C0". The valine amino acid residue is found in multiple mammalian species, which suggests that this missense change does not adversely affect protein function. In summary, the available evidence is currently insufficient to determine the role of this variant in disease. Therefore, it has been classified as a Variant of Uncertain Significance.

NM_001164665.2(KIAA1549):c.1468A>G (p.Ile490Val)

Gene: KIAA1549 (KIAA1549; minus strand). Cytogenetic location: 7q34.
Variant type: single nucleotide variant.
Coding change: c.1468A>G on transcript NM_001164665.2 (MANE Select); coding-DNA position 1468, A replaced by G.
Protein change: p.Ile490Val; replaces isoleucine 490 with valine.
Molecular consequence: missense variant.
Genome position (GRCh38, 1-based): chr7:138,918,158, T>C on the plus strand (A>G on the coding strand, the complement: KIAA1549 is on the minus strand). VCF-style: chr7-138918158-T-C. GRCh37 (hg19) VCF-style: chr7-138602904-T-C.
Other names: c.1468A>G, p.Ile490Val (NM_020910.3); short protein forms I490V.
Identifiers: ClinVar variation 1969067 (VCV001969067.2), dbSNP rs371018266, ClinGen allele CA4506719.